The following is an entry in ClinVar:

ClinVar aggregate classification (germline): Pathogenic (1 of 4 stars; one submission).

Submission:

Athena Diagnostics
Classification: Pathogenic. Last evaluated: 2022-09-22. Review status: criteria provided, single submitter. Criteria: Athena Diagnostics Criteria. Collection method: clinical testing. Allele origin: unknown.
Comment: This variant is expected to result in the loss of a functional protein. A similar variant has been identified in at least one individual with clinical features associated with this gene. Similar variants have not been reported in large, multi-ethnic general populations (Genome Aggregation Database (gnomAD), Cambridge, MA (URL)).

Literature cited by the submitters: PubMed 17160895; PubMed 17211633; PubMed 18060436.

Single allele

Gene: CCM2 (CCM2 scaffold protein; plus strand). Cytogenetic location: 7p13.
Variant type: Deletion.
Identifiers: ClinVar variation 2684162 (VCV002684162.1).